The following is an entry in ClinVar:

NM_020738.4(KIDINS220):c.346C>T (p.Arg116Cys)

Gene: KIDINS220 (kinase D interacting substrate 220; minus strand). Cytogenetic location: 2p25.1.
Variant type: single nucleotide variant.
Coding change: c.346C>T on transcript NM_020738.4 (MANE Select); coding-DNA position 346, C replaced by T.
Protein change: p.Arg116Cys; replaces arginine 116 with cysteine.
Molecular consequence: missense variant. On other transcripts: non-coding transcript variant (2).
Genome position (GRCh38, 1-based): chr2:8,813,296, G>A on the plus strand (C>T on the coding strand, the complement: KIDINS220 is on the minus strand). VCF-style: chr2-8813296-G-A. GRCh37 (hg19) VCF-style: chr2-8953426-G-A.
Other names: c.346C>T, p.Arg116Cys (NM_001348729.2, NM_001348731.2, NM_001348732.2 and 9 more transcripts); c.220C>T, p.Arg74Cys (NM_001348736.2); c.346C>T (NM_001348732.1); short protein forms R116C, R74C.
Identifiers: ClinVar variation 2388180 (VCV002388180.8), dbSNP rs370574933, ClinGen allele CA1520454.

ClinVar aggregate classification (germline): Conflicting classifications of pathogenicity. Review status: criteria provided, conflicting classifications (1 of 4 stars). 4 submissions from 4 submitters: Uncertain significance (2); Likely benign (1). 1 of the submissions does not count toward it. Last evaluated 2024-03-19.

Conditions:
KIDINS220-related disorder. Also called: KIDINS220-related condition.
Inborn genetic diseases. Identifiers: MedGen C0950123, MeSH D030342.
Spastic paraplegia, intellectual disability, nystagmus, and obesity. Also called: Spastic paraplegia, intellectual disability, nystagmus, and obesity;. Identifiers: Orphanet 521390, MedGen C4284592, MONDO:0015007, OMIM 617296.
Ventriculomegaly and arthrogryposis. Identifiers: MedGen C5561973, MONDO:0859184, OMIM 619501.

Allele frequency attached by ClinVar (database versions not stated): gnomAD exomes 0.00004; ExAC 0.00011; 1000 Genomes Project 30x 0.00016; TOPMed 0.00019; 1000 Genomes Project 0.00020; ESP Exome Variant Server 0.00025; gnomAD 0.00025.
gnomAD v4.1: 95 of 1,613,292 alleles (0.0059%); highest among the groups gnomAD compares: African/African-American, 0.085%; no homozygotes.

Submissions (4):

Labcorp Genetics (formerly Invitae), Labcorp
Classification: Uncertain significance. Last evaluated: 2024-03-19. Review status: criteria provided, single submitter. Criteria: Invitae Variant Classification Sherloc (09022015). Collection method: clinical testing. Allele origin: germline.
Comment: This sequence change replaces arginine, which is basic and polar, with cysteine, which is neutral and slightly polar, at codon 116 of the KIDINS220 protein (p.Arg116Cys). This variant is present in population databases (rs370574933, gnomAD 0.1%). This variant has not been reported in the literature in individuals affected with KIDINS220-related conditions. ClinVar contains an entry for this variant (Variation ID: 2388180). An algorithm developed to predict the effect of missense changes on protein structure and function (PolyPhen-2) suggests that this variant¬¨‚Ä†is likely to be tolerated. In summary, the available evidence is currently insufficient to determine the role of this variant in disease. Therefore, it has been classified as a Variant of Uncertain Significance.

Ambry Genetics
Classification: Likely benign for Inborn genetic diseases. Last evaluated: 2022-12-01. Review status: criteria provided, single submitter. Criteria: Ambry Variant Classification Scheme 2023. Collection method: clinical testing. Allele origin: germline.

New York Genome Center
Classification: Uncertain significance for Spastic paraplegia, intellectual disability, nystagmus, and obesity; Ventriculomegaly and arthrogryposis. Last evaluated: 2022-09-30. Review status: criteria provided, single submitter. Criteria: NYGC Assertion Criteria 2020. Collection method: clinical testing. Allele origin: germline. Observed: 1 variant allele, 1 heterozygote.

PreventionGenetics, part of Exact Sciences
Classification: Uncertain significance for KIDINS220-related condition. Last evaluated: 2024-03-07. Review status: no assertion criteria provided. Collection method: clinical testing. Allele origin: germline. Not counted in ClinVar's aggregate classification.
Comment: The KIDINS220 c.346C>T variant is predicted to result in the amino acid substitution p.Arg116Cys. To our knowledge, this variant has not been reported in the literature. This variant is reported in 0.091% of alleles in individuals of African descent in gnomAD. Although we suspect that this variant may be benign, at this time, the clinical significance of this variant is uncertain due to the absence of conclusive functional and genetic evidence.